The following is an entry in ClinVar:

ClinVar aggregate classification (germline): Likely pathogenic (1 of 4 stars; one submission).

Conditions:
ITGA3-related disorder. Also called: ITGA3-related condition.

Allele frequency attached by ClinVar (database versions not stated): gnomAD exomes below 0.00001.

Submission:

PreventionGenetics, part of Exact Sciences
Classification: Likely pathogenic for ITGA3-related condition. Last evaluated: 2025-12-10. Review status: criteria provided, single submitter. Criteria: ACMG Guidelines, 2015. Collection method: clinical testing. Allele origin: germline.
Comment: The ITGA3 c.826C>T variant is predicted to result in premature protein termination (p.Arg276*). To our knowledge, this variant has not been reported in the literature. This variant is reported in 0.00088% of alleles in individuals of European (Non-Finnish) descent in gnomAD. Nonsense variants in ITGA3 are expected to be pathogenic. This variant is interpreted as likely pathogenic.

NM_002204.4(ITGA3):c.826C>T (p.Arg276Ter)

Gene: ITGA3 (integrin subunit alpha 3; plus strand). Cytogenetic location: 17q21.33.
Variant type: single nucleotide variant.
Coding change: c.826C>T on transcript NM_002204.4 (MANE Select); coding-DNA position 826, C replaced by T.
Protein change: p.Arg276Ter; replaces arginine 276 with a stop codon.
Molecular consequence: nonsense.
Genome position (GRCh38, 1-based): chr17:50,071,385, C>T. VCF-style: chr17-50071385-C-T. GRCh37 (hg19) VCF-style: chr17-48148749-C-T.
Other names: short protein forms R276*.
Identifiers: ClinVar variation 2631652 (VCV002631652.2), dbSNP rs777480064, ClinGen allele CA291516768.